The following is an entry in ClinVar:

ClinVar aggregate classification (germline): Likely pathogenic (1 of 4 stars; one submission).

Conditions:
Wilson disease (WND). Also called: Wilson's disease. Identifiers: Orphanet 905, MedGen C0019202, MONDO:0010200, OMIM 277900. Disease mechanism: loss of function.

gnomAD v4.1: 1 of 1,613,444 alleles (0.000062%); highest among the groups gnomAD compares: Admixed American, 0.0017%; no homozygotes.

Submission:

Natera, Inc.
Classification: Likely pathogenic for Wilson disease. Last evaluated: 2025-12-03. Review status: criteria provided, single submitter. Criteria: Natera Variant Classification Schema (03/2026). Collection method: clinical testing. Allele origin: germline.
Comment: The c.2122-2A>G variant in ATP7B is a canonical splice acceptor site variant predicted to affect pre-mRNA splicing, which may result in an abnormal transcript and altered protein product. This variant is expected to result in nonsense mediated decay, truncation, or a dysfunctional protein product. This variant is rare in the general population with a frequency below the threshold expected for the associated phenotype(s). This variant has been observed in one or more individuals affected with the associated recessive disease, as either homozygous or compound heterozygous with a second variant (PMID: 39535360). Given the available evidence, this variant is classified as Likely Pathogenic.

Literature cited by the submitters: PubMed 39535360.

NM_000053.4(ATP7B):c.2122-2A>G

Gene: ATP7B (ATPase copper transporting beta; minus strand). Cytogenetic location: 13q14.3.
Variant type: single nucleotide variant.
Coding change: c.2122-2A>G on transcript NM_000053.4 (MANE Select); the canonical splice acceptor site of the intron before coding-DNA position 2122, A replaced by G.
Molecular consequence: splice acceptor variant. On other transcripts: intron variant (20).
Genome position (GRCh38, 1-based): chr13:51,958,546, T>C on the plus strand (A>G on the coding strand, the complement: ATP7B is on the minus strand). VCF-style: chr13-51958546-T-C. GRCh37 (hg19) VCF-style: chr13-52532682-T-C.
Other names: c.1870-939A>G (NM_001406541.1, NM_001005918.3, NM_001406546.1 and 1 more transcripts); c.1870-2A>G (NM_001406531.1, NM_001406532.1, NM_001406540.1 and 1 more transcripts); c.2122-939A>G (NM_001406527.1, NM_001406528.1, NM_001406534.1 and 2 more transcripts); c.2122-146A>G (NM_001406537.1, NM_001406521.1, NM_001406522.1 and 1 more transcripts); c.2122-2A>G (NM_001406513.1, NM_001406511.1, NM_001406516.1 and 7 more transcripts); c.1774-2A>G (NM_001406543.1); c.1789-2A>G (NM_001243182.2); c.1286-8385A>G (NM_001406548.1); and 8 more.
Identifiers: ClinVar variation 4815100 (VCV004815100.1).